The following is an entry in ClinVar:

NM_001190274.2(FBXO11):c.1526A>C (p.Glu509Ala)

Gene: FBXO11 (F-box protein 11; minus strand). Cytogenetic location: 2p16.3.
Variant type: single nucleotide variant.
Coding change: c.1526A>C on transcript NM_001190274.2 (MANE Select); coding-DNA position 1526, A replaced by C.
Protein change: p.Glu509Ala; replaces glutamic acid 509 with alanine.
Molecular consequence: missense variant.
Genome position (GRCh38, 1-based): chr2:47,823,233, T>G on the plus strand (A>C on the coding strand, the complement: FBXO11 is on the minus strand). VCF-style: chr2-47823233-T-G. GRCh37 (hg19) VCF-style: chr2-48050372-T-G.
Other names: c.1274A>C, p.Glu425Ala (NM_001374325.1, NM_025133.4); short protein forms E425A, E509A.
Identifiers: ClinVar variation 3367865 (VCV003367865.1).
Genomic context (GRCh38, chr2:47,823,233, plus strand): 5'-CATACACCTGCAAAGTTGTTTGCATAGATTTTATTCTCTATGAATTGTCCTCTTCCTTTT[T>G]CATGGACATATATTCCTCCAGTCTGCCCATGGTGAATTTCACATCGAACCACTGTAGGGT-3'
Protein context (NP_001177203.1, residues 499-519): HGQTGGIYVH[Glu509Ala]KGRGQFIENK

ClinVar aggregate classification (germline): Uncertain significance (1 of 4 stars; one submission).

Submission:

GeneDx
Classification: Uncertain significance. Last evaluated: 2024-01-14. Review status: criteria provided, single submitter. Criteria: GeneDx Variant Classification Process June 2021. Collection method: clinical testing. Allele origin: germline. Affected: yes.
Comment: Not observed at significant frequency in large population cohorts (gnomAD); In silico analysis supports that this missense variant has a deleterious effect on protein structure/function; Has not been previously published as pathogenic or benign to our knowledge